The following is an entry in ClinVar:

ClinVar aggregate classification (germline): Likely benign (1 of 4 stars; one submission).

Conditions:
Long QT syndrome (LQTS). Identifiers: MedGen C0023976, MeSH D008133, MONDO:0002442. Disease mechanism: loss of function. Inheritance: Various modes of inheritance.

Allele frequency attached by ClinVar (database versions not stated): gnomAD exomes below 0.00001; ExAC 0.00001; TOPMed 0.00001; gnomAD 0.00002.

Submissions (2):

Labcorp Genetics (formerly Invitae), Labcorp
Classification: Likely benign for Long QT syndrome. Last evaluated: 2021-06-28. Review status: criteria provided, single submitter. Criteria: Invitae Variant Classification Sherloc (09022015). Collection method: clinical testing. Allele origin: germline.

Roden Lab, Vanderbilt University Medical Center
No classification provided (evidence only). Condition: Long QT syndrome 5. Review status: no classification provided. Collection method: in vitro. Allele origin: not applicable. Functional consequence: Effect on ion channel function. Not counted in ClinVar's aggregate classification.
ClinVar note: "not provided" was previously submitted as the classification for the variant. However, the classification appeared to be based only on an observation of functional data so it was converted to no classification on 2025-07-30.

NM_000219.6(KCNE1):c.312G>A (p.Arg104=)

Gene: KCNE1 (potassium voltage-gated channel subfamily E regulatory subunit 1; minus strand). Cytogenetic location: 21q22.12.
Variant type: single nucleotide variant.
Coding change: c.312G>A on transcript NM_000219.6 (MANE Select); coding-DNA position 312, G replaced by A.
Protein change: p.Arg104=; no amino-acid change (arginine 104 retained).
Molecular consequence: synonymous variant.
Genome position (GRCh38, 1-based): chr21:34,449,323, C>T on the plus strand (G>A on the coding strand, the complement: KCNE1 is on the minus strand). VCF-style: chr21-34449323-C-T. GRCh37 (hg19) VCF-style: chr21-35821621-C-T.
Other names: c.312G>A, p.Arg104= (NM_001127668.4, NM_001127669.4, NM_001127670.4 and 4 more transcripts).
Identifiers: ClinVar variation 1669366 (VCV001669366.10), dbSNP rs746628151, ClinGen allele CA320425147.
Genomic context (GRCh38, chr21:34,449,323, plus strand): 5'-CTCAGGAAGGTGTGTGTTGGGTTGTTCTATGGCCAGATGGTTTTCAACGACATAGCACGA[C>T]CTGTAGCTCTCCAGGACCCGGGCCTGGACATAGGCCTTGTCCTTCTCTTGCCAGGCATCG-3'
Protein context (NP_000210.2, residues 94-114): YVQARVLESY[Arg104=]SCYVVENHLA